The following is an entry in ClinVar:

ClinVar aggregate classification (germline): Uncertain significance. Review status: criteria provided, multiple submitters, no conflicts (2 of 4 stars). 2 submissions from 2 submitters: Uncertain significance (2). Last evaluated 2025-05-05.

Conditions:
Hereditary cancer-predisposing syndrome. Also called: Neoplastic Syndromes, Hereditary; Tumor predisposition; Hereditary Cancer Syndrome; Hereditary neoplastic syndrome. Identifiers: Orphanet 140162, MedGen C0027672, MeSH D009386, MONDO:0015356.

Allele frequency attached by ClinVar (database versions not stated): gnomAD exomes below 0.00001 and 0.00001; gnomAD 0.00001; TOPMed 0.00001.
gnomAD v4.1: 12 of 1,613,774 alleles (0.00074%); highest among the groups gnomAD compares: Middle Eastern, 0.016%; no homozygotes.

Submissions (2):

Labcorp Genetics (formerly Invitae), Labcorp
Classification: Uncertain significance for Hereditary cancer-predisposing syndrome. Last evaluated: 2025-05-05. Review status: criteria provided, single submitter. Criteria: Invitae Variant Classification Sherloc (09022015). Collection method: clinical testing. Allele origin: germline.
Comment: This sequence change replaces asparagine, which is neutral and polar, with histidine, which is basic and polar, at codon 998 of the RAD50 protein (p.Asn998His). This variant is present in population databases (rs587781686, gnomAD 0.0009%). This variant has not been reported in the literature in individuals affected with RAD50-related conditions. ClinVar contains an entry for this variant (Variation ID: 141360). Invitae Evidence Modeling of protein sequence and biophysical properties (such as structural, functional, and spatial information, amino acid conservation, physicochemical variation, residue mobility, and thermodynamic stability) indicates that this missense variant is not expected to disrupt RAD50 protein function with a negative predictive value of 80%. In summary, the available evidence is currently insufficient to determine the role of this variant in disease. Therefore, it has been classified as a Variant of Uncertain Significance.

Ambry Genetics
Classification: Uncertain significance for Hereditary cancer-predisposing syndrome. Last evaluated: 2022-12-28. Review status: criteria provided, single submitter. Criteria: Ambry Variant Classification Scheme 2023. Collection method: clinical testing. Allele origin: germline.
Comment: The p.N998H variant (also known as c.2992A>C), located in coding exon 19 of the RAD50 gene, results from an A to C substitution at nucleotide position 2992. The asparagine at codon 998 is replaced by histidine, an amino acid with similar properties. This amino acid position is not well conserved in available vertebrate species. In addition, this alteration is predicted to be tolerated by in silico analysis. Since supporting evidence is limited at this time, the clinical significance of this alteration remains unclear.

NM_005732.4(RAD50):c.2992A>C (p.Asn998His)

Gene: RAD50 (RAD50 double strand break repair protein; plus strand). Cytogenetic location: 5q31.1.
Variant type: single nucleotide variant.
Coding change: c.2992A>C on transcript NM_005732.4 (MANE Select); coding-DNA position 2992, A replaced by C.
Protein change: p.Asn998His; replaces asparagine 998 with histidine.
Molecular consequence: missense variant.
Genome position (GRCh38, 1-based): chr5:132,609,352, A>C. VCF-style: chr5-132609352-A-C. GRCh37 (hg19) VCF-style: chr5-131945044-A-C.
Other names: short protein forms N998H.
Identifiers: ClinVar variation 141360 (VCV000141360.14), dbSNP rs587781686, ClinGen allele CA165216.